The following is an entry in ClinVar:

ClinVar aggregate classification (germline): Uncertain significance (1 of 4 stars; one submission).

Allele frequency attached by ClinVar (database versions not stated): gnomAD exomes 0.00001; ExAC 0.00001.
gnomAD v4.1: 14 of 1,614,202 alleles (0.00087%); highest among the groups gnomAD compares: Non-Finnish European, 0.001%; no homozygotes.

Submission:

Labcorp Genetics (formerly Invitae), Labcorp
Classification: Uncertain significance. Last evaluated: 2025-03-18. Review status: criteria provided, single submitter. Criteria: Invitae Variant Classification Sherloc (09022015). Collection method: clinical testing. Allele origin: germline.
Comment: This sequence change replaces glutamic acid, which is acidic and polar, with glycine, which is neutral and non-polar, at codon 452 of the LEMD3 protein (p.Glu452Gly). This variant is present in population databases (rs766893227, gnomAD 0.0009%). This variant has not been reported in the literature in individuals affected with LEMD3-related conditions. ClinVar contains an entry for this variant (Variation ID: 2778567). Invitae Evidence Modeling of protein sequence and biophysical properties (such as structural, functional, and spatial information, amino acid conservation, physicochemical variation, residue mobility, and thermodynamic stability) indicates that this missense variant is not expected to disrupt LEMD3 protein function with a negative predictive value of 80%. In summary, the available evidence is currently insufficient to determine the role of this variant in disease. Therefore, it has been classified as a Variant of Uncertain Significance.

NM_014319.5(LEMD3):c.1355A>G (p.Glu452Gly)

Gene: LEMD3 (LEM domain containing 3; plus strand). Cytogenetic location: 12q14.3.
Variant type: single nucleotide variant.
Coding change: c.1355A>G on transcript NM_014319.5 (MANE Select); coding-DNA position 1355, A replaced by G.
Protein change: p.Glu452Gly; replaces glutamic acid 452 with glycine.
Molecular consequence: missense variant.
Genome position (GRCh38, 1-based): chr12:65,170,951, A>G. VCF-style: chr12-65170951-A-G. GRCh37 (hg19) VCF-style: chr12-65564731-A-G.
Other names: c.1355A>G, p.Glu452Gly (NM_001167614.2); short protein forms E452G.
Identifiers: ClinVar variation 2778567 (VCV002778567.3), dbSNP rs766893227, ClinGen allele CA6670893.